The following is an entry in ClinVar:

ClinVar aggregate classification (germline): Uncertain significance. Review status: criteria provided, multiple submitters, no conflicts (2 of 4 stars). 2 submissions from 2 submitters: Uncertain significance (2). Last evaluated 2023-11-29.

Conditions:
Hemolytic anemia due to adenylate kinase deficiency (CNSHA3). Also called: ANEMIA, CONGENITAL, NONSPHEROCYTIC HEMOLYTIC, 3. Identifiers: Orphanet 86817, MedGen C2675459, MONDO:0012967, OMIM 612631.

Allele frequency attached by ClinVar (database versions not stated): ESP Exome Variant Server 0.00008; ExAC 0.00005.

Submissions (2):

Revvity Omics, Revvity
Classification: Uncertain significance for Hemolytic anemia due to adenylate kinase deficiency. Last evaluated: 2023-11-29. Review status: criteria provided, single submitter. Criteria: ACMG Guidelines, 2015. Collection method: clinical testing. Allele origin: germline.

GeneDx
Classification: Uncertain significance. Last evaluated: 2019-05-03. Review status: criteria provided, single submitter. Criteria: GeneDx Variant Classification Process June 2021. Collection method: clinical testing. Allele origin: germline. Affected: yes.
Comment: Has not been previously published as pathogenic or benign to our knowledge; In silico analysis, which includes protein predictors and evolutionary conservation, supports a deleterious effect

NM_000476.3(AK1):c.85G>A (p.Val29Met)

Genes: AK1 (adenylate kinase 1; minus strand), ST6GALNAC4-ST6GALNAC6-AK1 (ST6GALNAC4-ST6GALNAC6-AK1 readthrough; minus strand). Cytogenetic location: 9q34.11.
Variant type: single nucleotide variant.
Coding change: c.85G>A on transcript NM_000476.3 (MANE Select); coding-DNA position 85, G replaced by A.
Protein change: p.Val29Met; replaces valine 29 with methionine.
Molecular consequence: missense variant.
Genome position (GRCh38, 1-based): chr9:127,872,812, C>T on the plus strand (G>A on the coding strand, the complement: AK1 is on the minus strand). VCF-style: chr9-127872812-C-T. GRCh37 (hg19) VCF-style: chr9-130635091-C-T.
Other names: c.85G>A, p.Val29Met (NM_001318121.1); c.133G>A, p.Val45Met (NM_001318122.2); short protein forms V29M, V45M.
Identifiers: ClinVar variation 1302035 (VCV001302035.3), dbSNP rs150701679, ClinGen allele CA5253454.